The following is an entry in ClinVar:

NM_000540.3(RYR1):c.5726A>T (p.Glu1909Val)

Gene: RYR1 (ryanodine receptor 1; plus strand). Cytogenetic location: 19q13.2.
Variant type: single nucleotide variant.
Coding change: c.5726A>T on transcript NM_000540.3 (MANE Select); coding-DNA position 5726, A replaced by T.
Protein change: p.Glu1909Val; replaces glutamic acid 1909 with valine.
Molecular consequence: missense variant.
Genome position (GRCh38, 1-based): chr19:38,489,355, A>T. VCF-style: chr19-38489355-A-T. GRCh37 (hg19) VCF-style: chr19-38979995-A-T.
Other names: c.5726A>T, p.Glu1909Val (NM_001042723.2); short protein forms E1909V.
Identifiers: ClinVar variation 3666272 (VCV003666272.2).

ClinVar aggregate classification (germline): Uncertain significance (1 of 4 stars; one submission).

Conditions:
RYR1-related disorder. Also called: RYR1-related condition; RYR1-related disorders. Identifiers: MedGen CN239331.

Submission:

Labcorp Genetics (formerly Invitae), Labcorp
Classification: Uncertain significance for RYR1-related disorder. Last evaluated: 2024-10-24. Review status: criteria provided, single submitter. Criteria: Invitae Variant Classification Sherloc (09022015). Collection method: clinical testing. Allele origin: germline.
Comment: This sequence change replaces glutamic acid, which is acidic and polar, with valine, which is neutral and non-polar, at codon 1909 of the RYR1 protein (p.Glu1909Val). This variant is not present in population databases (gnomAD no frequency). This variant has not been reported in the literature in individuals affected with RYR1-related conditions. Invitae Evidence Modeling of protein sequence and biophysical properties (such as structural, functional, and spatial information, amino acid conservation, physicochemical variation, residue mobility, and thermodynamic stability) indicates that this missense variant is not expected to disrupt RYR1 protein function with a negative predictive value of 95%. In summary, the available evidence is currently insufficient to determine the role of this variant in disease. Therefore, it has been classified as a Variant of Uncertain Significance.